The following is an entry in ClinVar:

ClinVar aggregate classification (germline): Uncertain significance. Review status: criteria provided, multiple submitters, no conflicts (2 of 4 stars). 2 submissions from 2 submitters: Uncertain significance (2). Last evaluated 2021-12-25.

Allele frequency attached by ClinVar (database versions not stated): gnomAD exomes 0.00001; ExAC 0.00005; gnomAD 0.00011; TOPMed 0.00015.

Submissions (2):

Labcorp Genetics (formerly Invitae), Labcorp
Classification: Uncertain significance. Last evaluated: 2021-12-25. Review status: criteria provided, single submitter. Criteria: Invitae Variant Classification Sherloc (09022015). Collection method: clinical testing. Allele origin: germline.
Comment: This sequence change replaces glycine, which is neutral and non-polar, with valine, which is neutral and non-polar, at codon 3792 of the ZNF469 protein (p.Gly3792Val). This variant is present in population databases (rs373034137, gnomAD 0.02%). This variant has not been reported in the literature in individuals affected with ZNF469-related conditions. Algorithms developed to predict the effect of missense changes on protein structure and function output the following: SIFT: "Tolerated"; PolyPhen-2: "Benign"; Align-GVGD: "Class C0". The valine amino acid residue is found in multiple mammalian species, which suggests that this missense change does not adversely affect protein function. In summary, the available evidence is currently insufficient to determine the role of this variant in disease. Therefore, it has been classified as a Variant of Uncertain Significance.

GeneDx
Classification: Uncertain significance. Last evaluated: 2019-12-27. Review status: criteria provided, single submitter. Criteria: GeneDx Variant Classification Process June 2021. Collection method: clinical testing. Allele origin: germline. Affected: yes.
Comment: In silico analysis, which includes protein predictors and evolutionary conservation, supports a deleterious effect; Has not been previously published as pathogenic or benign to our knowledge

NM_001367624.2(ZNF469):c.11459G>T (p.Gly3820Val)

Gene: ZNF469 (zinc finger protein 469; plus strand). Cytogenetic location: 16q24.2.
Variant type: single nucleotide variant.
Coding change: c.11459G>T on transcript NM_001367624.2 (MANE Select); coding-DNA position 11459, G replaced by T.
Protein change: p.Gly3820Val; replaces glycine 3820 with valine.
Molecular consequence: missense variant.
Genome position (GRCh38, 1-based): chr16:88,438,929, G>T. VCF-style: chr16-88438929-G-T. GRCh37 (hg19) VCF-style: chr16-88505337-G-T.
Other names: NM_001127464.1:c.11375G>T; short protein forms G3820V.
Identifiers: ClinVar variation 1311335 (VCV001311335.3), dbSNP rs373034137, ClinGen allele CA8225614.